The following is an entry in ClinVar:

NM_000466.3(PEX1):c.1335A>G (p.Leu445=)

Gene: PEX1 (peroxisomal biogenesis factor 1; minus strand). Cytogenetic location: 7q21.2.
Variant type: single nucleotide variant.
Coding change: c.1335A>G on transcript NM_000466.3 (MANE Select); coding-DNA position 1335, A replaced by G.
Protein change: p.Leu445=; no amino-acid change (leucine 445 retained).
Molecular consequence: synonymous variant.
Genome position (GRCh38, 1-based): chr7:92,513,872, T>C on the plus strand (A>G on the coding strand, the complement: PEX1 is on the minus strand). VCF-style: chr7-92513872-T-C. GRCh37 (hg19) VCF-style: chr7-92143186-T-C.
Other names: c.1335A>G (NM_000466.2); c.1335A>G, p.Leu445= (NM_001282677.2); c.711A>G, p.Leu237= (NM_001282678.2).
Identifiers: ClinVar variation 1965303 (VCV001965303.6), dbSNP rs2484692287, ClinGen allele CA456483851.
Genomic context (GRCh38, chr7:92,513,872, plus strand): 5'-AAAGAATTTTGATGTAACATATATATTTGAACTCACTAAATTCTCTCTAGGTTGTAACTT[T>C]AGAGATCTTGGAATTTTAGGGGTAACTTCCACTGGAGTTATCCTGACTACGGCATGCATT-3'
Protein context (NP_000457.1, residues 435-455): VEVTPKIPRS[Leu445=]KLQPRENLPK

ClinVar aggregate classification (germline): Likely benign. Review status: criteria provided, multiple submitters, no conflicts (2 of 4 stars). 2 submissions from 2 submitters: Likely benign (2). Last evaluated 2026-05-31.

Conditions:
PEX1-related disorder. Also called: PEX1-related condition.
Zellweger spectrum disorders (ZS). Also called: Zellweger Spectrum Disorder (ZSD); Zellweger syndrome; Zellweger Spectrum Disorder; Zellweger Spectrum. Identifiers: Orphanet 912, MedGen C0043459, MONDO:0019609.

Allele frequency attached by ClinVar (database versions not stated): gnomAD exomes below 0.00001.
gnomAD v4.1: 3 of 1,601,392 alleles (0.00019%); highest among the groups gnomAD compares: African/African-American, 0.004%; no homozygotes.

Submissions (2):

PreventionGenetics, part of Exact Sciences
Classification: Likely benign for PEX1-related condition. Last evaluated: 2026-05-31. Review status: criteria provided, single submitter. Criteria: ACMG Guidelines, 2015. Collection method: clinical testing. Allele origin: germline.
Comment: This variant is classified as likely benign based on ACMG/AMP sequence variant interpretation guidelines (Richards et al. 2015 PMID: 25741868, with internal and published modifications).

Labcorp Genetics (formerly Invitae), Labcorp
Classification: Likely benign for Zellweger spectrum disorders. Last evaluated: 2022-10-07. Review status: criteria provided, single submitter. Criteria: Invitae Variant Classification Sherloc (09022015). Collection method: clinical testing. Allele origin: germline.